The following is an entry in ClinVar:

NM_001164508.2(NEB):c.14826+11G>A

Gene: NEB (nebulin; minus strand). Cytogenetic location: 2q23.3.
Variant type: single nucleotide variant.
Coding change: c.14826+11G>A on transcript NM_001164508.2 (MANE Select); 11 bases into the intron after coding-DNA position 14826, G replaced by A.
Molecular consequence: intron variant.
Genome position (GRCh38, 1-based): chr2:151,592,023, C>T on the plus strand (G>A on the coding strand, the complement: NEB is on the minus strand). VCF-style: chr2-151592023-C-T. GRCh37 (hg19) VCF-style: chr2-152448537-C-T.
Other names: c.11602-15669G>A (NM_004543.5); c.14826+11G>A (NM_001164507.2, NM_001271208.2).
Identifiers: ClinVar variation 257747 (VCV000257747.3), dbSNP rs71415152, ClinGen allele CA10586764.

ClinVar aggregate classification (germline): Likely benign. Review status: criteria provided, multiple submitters, no conflicts (2 of 4 stars). 3 submissions from 3 submitters: Likely benign (3). Last evaluated 2024-11-22.

Allele frequency attached by ClinVar (database versions not stated): gnomAD 0.00053; 1000 Genomes Project 30x 0.00062.

Submissions (3):

Blueprint Genetics
Classification: Likely benign. Last evaluated: 2024-11-22. Review status: criteria provided, single submitter. Criteria: ACMG Guidelines, 2015. Collection method: clinical testing. Allele origin: germline.

GeneDx
Classification: Likely benign. Last evaluated: 2017-06-14. Review status: criteria provided, single submitter. Criteria: GeneDx Variant Classification (06012015). Collection method: clinical testing. Allele origin: germline. Affected: yes.
Comment: This variant is considered likely benign or benign based on one or more of the following criteria: it is a conservative change, it occurs at a poorly conserved position in the protein, it is predicted to be benign by multiple in silico algorithms, and/or has population frequency not consistent with disease.

PreventionGenetics, part of Exact Sciences
Classification: Likely benign. Review status: criteria provided, single submitter. Criteria: ACMG Guidelines, 2015. Collection method: clinical testing. Allele origin: germline.